The following is an entry in ClinVar:

NM_000059.4(BRCA2):c.3504G>T (p.Met1168Ile)

Gene: BRCA2 (BRCA2 DNA repair associated; plus strand). Cytogenetic location: 13q13.1.
Variant type: single nucleotide variant.
Coding change: c.3504G>T on transcript NM_000059.4 (MANE Select); coding-DNA position 3504, G replaced by T.
Protein change: p.Met1168Ile; replaces methionine 1168 with isoleucine.
Molecular consequence: missense variant.
Genome position (GRCh38, 1-based): chr13:32,337,859, G>T. VCF-style: chr13-32337859-G-T. GRCh37 (hg19) VCF-style: chr13-32911996-G-T.
Other names: short protein forms M1168I.
Identifiers: ClinVar variation 446277 (VCV000446277.8), dbSNP rs1555283267, ClinGen allele CA387776965.

ClinVar aggregate classification (germline): Conflicting classifications of pathogenicity. Review status: criteria provided, conflicting classifications (1 of 4 stars). 3 submissions from 3 submitters: Uncertain significance (1); Likely benign (2). Last evaluated 2023-03-23.
ClinVar aggregate classification (oncogenicity): Likely oncogenic (0 of 4 stars; one submission).

Conditions:
Hereditary cancer-predisposing syndrome. Also called: Hereditary Cancer Syndrome; Hereditary neoplastic syndrome; Neoplastic Syndromes, Hereditary; Tumor predisposition. Identifiers: Orphanet 140162, MedGen C0027672, MeSH D009386, MONDO:0015356.
Neuroendocrine tumor of pancreas. Also called: Neuroendocrine pancreatic tumor. Identifiers: Orphanet 97253, MedGen C1337011, MONDO:0019954.

Allele frequency attached by ClinVar (database versions not stated): gnomAD exomes below 0.00001.

Submissions (4):

University of Washington Department of Laboratory Medicine, University of Washington
Classification: Likely benign for Hereditary cancer-predisposing syndrome. Last evaluated: 2023-03-23. Review status: criteria provided, single submitter. Criteria: Dines et al. (Genet Med. 2020). Collection method: curation. Allele origin: germline.
Comment: Missense variant in a coldspot region where missense variants are very unlikely to be pathogenic (PMID:31911673).

BRCA2 exon 11 coldspot. Reclassification based on statistical prior probability.

Ambry Genetics
Classification: Likely benign for Hereditary cancer-predisposing syndrome. Last evaluated: 2021-01-19. Review status: criteria provided, single submitter. Criteria: Ambry Variant Classification Scheme 2023. Collection method: clinical testing. Allele origin: germline.

GeneDx
Classification: Uncertain significance. Last evaluated: 2017-10-27. Review status: criteria provided, single submitter. Criteria: GeneDx Variant Classification Process June 2021. Collection method: clinical testing. Allele origin: germline. Affected: yes.
Comment: Has not been previously published as pathogenic or benign to our knowledge; Not observed in large population cohorts (Lek 2016); In silico analysis, which includes protein predictors and evolutionary conservation, supports that this variant does not alter protein structure/function; Also known as 3732G>T

Genome Sciences Centre, British Columbia Cancer Agency
Classification: Likely oncogenic for Neuroendocrine tumor of pancreas. Last evaluated: 2024-11-13. Review status: no assertion criteria provided. Collection method: research. Allele origin: somatic. Affected: yes. Observed: 1 variant allele.